The following is an entry in ClinVar:

NM_004006.3(DMD):c.8395del (p.His2799fs)

Gene: DMD (dystrophin; minus strand). Cytogenetic location: Xp21.2.
Variant type: Deletion.
Coding change: c.8395del on transcript NM_004006.3 (MANE Select); coding-DNA position 8395, one base deleted (C; older notation c.8395delC).
Protein change: p.His2799fs; shifts the reading frame from histidine 2799.
Molecular consequence: frameshift variant.
Genome position (GRCh38, 1-based): chrX:31,496,940, G deleted on the plus strand (C on the coding strand, the reverse complement: DMD is on the minus strand); the first of 3 consecutive G bases (chrX:31,496,940-31,496,942); deleting any one gives the same sequence. VCF-style (leftmost placement, unchanged base first): chrX-31496939-TG-T. GRCh37 (hg19) VCF-style: chrX-31515056-TG-T.
Other names: c.8371del, p.His2791fs (NM_000109.4); c.8383del, p.His2795fs (NM_004009.3); c.8026del, p.His2676fs (NM_004010.3); c.4372del, p.His1458fs (NM_004011.4); c.4363del, p.His1455fs (NM_004012.4); c.1015del, p.His339fs (NM_004013.3, NM_004020.4, NM_004021.3 and 2 more transcripts); c.208del, p.His70fs (NM_004014.3); short protein forms H339fs, H2676fs, H2799fs, H1458fs, H2791fs, H2795fs, H1455fs, H70fs.
Identifiers: ClinVar variation 949876 (VCV000949876.8), dbSNP rs2069923072, ClinGen allele CA1139667353.

ClinVar aggregate classification (germline): Pathogenic (1 of 4 stars; one submission).

Conditions:
Duchenne muscular dystrophy (DMD). Also called: MUSCULAR DYSTROPHY, PSEUDOHYPERTROPHIC PROGRESSIVE, DUCHENNE TYPE; Duchenne Muscular Dystrophy (DMD). Identifiers: Orphanet 98896, MedGen C0013264, MONDO:0010679, OMIM 310200.

Submission:

Labcorp Genetics (formerly Invitae), Labcorp
Classification: Pathogenic for Duchenne muscular dystrophy. Last evaluated: 2019-04-26. Review status: criteria provided, single submitter. Criteria: Invitae Variant Classification Sherloc (09022015). Collection method: clinical testing. Allele origin: germline.
Comment: For these reasons, this variant has been classified as Pathogenic. Loss-of-function variants in DMD are known to be pathogenic (PMID: 16770791, 25007885). This variant has not been reported in the literature in individuals with DMD-related conditions. This variant is not present in population databases (ExAC no frequency). This sequence change creates a premature translational stop signal (p.His2799Ilefs*25) in the DMD gene. It is expected to result in an absent or disrupted protein product.

Literature cited by the submitters: PubMed 16770791; PubMed 25007885.